The following is an entry in ClinVar:

ClinVar aggregate classification (germline): Uncertain significance. Review status: criteria provided, multiple submitters, no conflicts (2 of 4 stars). 2 submissions from 2 submitters: Uncertain significance (2). Last evaluated 2024-04-22.

Conditions:
Charcot-Marie-Tooth Disease, axonal, type 2GG (CMT2GG). Also called: Charcot-Marie-Tooth disease dominant intermediate II; Charcot-Marie-Tooth neuropathy, type 2GG; Charcot-Marie-Tooth neuropathy, axonal, type 2GG. Identifiers: Orphanet 100043, MedGen C5561933, MONDO:0011675, OMIM 606483.

gnomAD v4.1: 37 of 1,612,612 alleles (0.0023%); highest among the groups gnomAD compares: Non-Finnish European, 0.0025%; no homozygotes.

Submissions (2):

Ambry Genetics
Classification: Uncertain significance. Last evaluated: 2024-04-22. Review status: criteria provided, single submitter. Criteria: Ambry Variant Classification Scheme 2023. Collection method: clinical testing. Allele origin: germline.

Kariminejad - Najmabadi Pathology & Genetics Center
Classification: Uncertain significance for Charcot-Marie-Tooth Disease, axonal, type 2GG. Last evaluated: 2024-03-17. Review status: criteria provided, single submitter. Criteria: ACMG Guidelines, 2015. Collection method: clinical testing. Allele origin: germline. Inheritance: Autosomal dominant inheritance. Affected: yes.
Comment: PM2- PP2- PP3

NM_001377137.1(GBF1):c.2899G>A (p.Ala967Thr)

Gene: GBF1 (golgi brefeldin A resistant guanine nucleotide exchange factor 1; plus strand). Cytogenetic location: 10q24.32.
Variant type: single nucleotide variant.
Coding change: c.2899G>A on transcript NM_001377137.1 (MANE Select); coding-DNA position 2899, G replaced by A.
Protein change: p.Ala967Thr; replaces alanine 967 with threonine.
Molecular consequence: missense variant. On other transcripts: non-coding transcript variant (5).
Genome position (GRCh38, 1-based): chr10:102,368,758, G>A. VCF-style: chr10-102368758-G-A. GRCh37 (hg19) VCF-style: chr10-104128515-G-A.
Other names: c.2899G>A, p.Ala967Thr (NM_001199378.2, NM_001391923.1); c.2896G>A, p.Ala966Thr (NM_001199379.2, NM_001377141.1, NM_001391924.1 and 3 more transcripts); c.2860G>A, p.Ala954Thr (NM_001377138.1, NM_001391925.1); c.2602G>A, p.Ala868Thr (NM_001377139.1, NM_001377140.1); c.2995G>A, p.Ala999Thr (NM_001391922.1, NM_001411027.1); c.2863G>A, p.Ala955Thr (NM_001391926.1); c.2755G>A, p.Ala919Thr (NM_001391928.1); c.2659G>A, p.Ala887Thr (NM_001391929.1); and 2 more; short protein forms A840T, A868T, A887T, A967T, A919T, A955T, A966T, A991T.
Identifiers: ClinVar variation 3280899 (VCV003280899.2).
Genomic context (GRCh38, chr10:102,368,758, plus strand): 5'-TTCCAGTGACTCTGTTTCTGGGATGGGGGGTAACATTACAGGAAGTGCGCCATGATCTCC[G>A]CCCACTATGGCCTCAGCGATGTGTTTGACAATCTCATCATCTCTCTATGCAAATTCACAG-3'
Protein context (NP_001364066.1, residues 957-977): SGFRKCAMIS[Ala967Thr]HYGLSDVFDN